The following is an entry in ClinVar:

ClinVar aggregate classification (germline): Uncertain significance (1 of 4 stars; one submission).

Allele frequency attached by ClinVar (database versions not stated): TOPMed 0.00001.

Submission:

Labcorp Genetics (formerly Invitae), Labcorp
Classification: Uncertain significance. Last evaluated: 2021-10-29. Review status: criteria provided, single submitter. Criteria: Invitae Variant Classification Sherloc (09022015). Collection method: clinical testing. Allele origin: germline.
Comment: This sequence change replaces alanine, which is neutral and non-polar, with serine, which is neutral and polar, at codon 3 of the KL protein (p.Ala3Ser). The frequency data for this variant in the population databases is considered unreliable, as metrics indicate insufficient coverage at this position in the gnomAD database. This variant has not been reported in the literature in individuals affected with KL-related conditions. Algorithms developed to predict the effect of missense changes on protein structure and function (SIFT, PolyPhen-2, Align-GVGD) all suggest that this variant is likely to be tolerated. In summary, the available evidence is currently insufficient to determine the role of this variant in disease. Therefore, it has been classified as a Variant of Uncertain Significance.

NM_004795.4(KL):c.7G>T (p.Ala3Ser)

Gene: KL (klotho; plus strand). Cytogenetic location: 13q13.1.
Variant type: single nucleotide variant.
Coding change: c.7G>T on transcript NM_004795.4 (MANE Select); coding-DNA position 7, G replaced by T.
Protein change: p.Ala3Ser; replaces alanine 3 with serine.
Molecular consequence: missense variant.
Genome position (GRCh38, 1-based): chr13:33,016,447, G>T. VCF-style: chr13-33016447-G-T. GRCh37 (hg19) VCF-style: chr13-33590585-G-T.
Other names: short protein forms A3S.
Identifiers: ClinVar variation 1421366 (VCV001421366.1), dbSNP rs1173135737, ClinGen allele CA387779738.
Genomic context (GRCh38, chr13:33,016,447, plus strand): 5'-GCGCGGGCATAAAGGGGCGCGGCGCGGGGCCCCGGAGCCTGGCTCCCGCGCAGCATGCCC[G>T]CCAGCGCCCCGCCGCGCCGCCCGCGGCCGCCGCCGCCGTCGCTGTCGCTGCTGCTGGTGC-3'
Protein context (NP_004786.2, residues 1-13): MP[Ala3Ser]SAPPRRPRPP